The following is an entry in ClinVar:

ClinVar aggregate classification (germline): Uncertain significance (1 of 4 stars; one submission).

Conditions:
Combined immunodeficiency due to MALT1 deficiency. Also called: Immunodeficiency 12. Identifiers: Orphanet 397964, MedGen C3809583, MONDO:0014197, OMIM 615468.

Allele frequency attached by ClinVar (database versions not stated): gnomAD exomes below 0.00001; TOPMed below 0.00001; ExAC 0.00001; gnomAD 0.00001.

Submission:

Labcorp Genetics (formerly Invitae), Labcorp
Classification: Uncertain significance for Combined immunodeficiency due to MALT1 deficiency. Last evaluated: 2020-11-26. Review status: criteria provided, single submitter. Criteria: Invitae Variant Classification Sherloc (09022015). Collection method: clinical testing. Allele origin: germline.
Comment: In summary, the available evidence is currently insufficient to determine the role of this variant in disease. Therefore, it has been classified as a Variant of Uncertain Significance. Algorithms developed to predict the effect of missense changes on protein structure and function (SIFT, PolyPhen-2, Align-GVGD) all suggest that this variant is likely to be tolerated, but these predictions have not been confirmed by published functional studies and their clinical significance is uncertain. This sequence change replaces methionine with threonine at codon 163 of the MALT1 protein (p.Met163Thr). The methionine residue is moderately conserved and there is a moderate physicochemical difference between methionine and threonine. This variant is present in population databases (rs750290078, ExAC 0.002%). This variant has not been reported in the literature in individuals with MALT1-related conditions.

NM_006785.4(MALT1):c.488T>C (p.Met163Thr)

Gene: MALT1 (MALT1 paracaspase; plus strand). Cytogenetic location: 18q21.32.
Variant type: single nucleotide variant.
Coding change: c.488T>C on transcript NM_006785.4 (MANE Select); coding-DNA position 488, T replaced by C.
Protein change: p.Met163Thr; replaces methionine 163 with threonine.
Molecular consequence: missense variant.
Genome position (GRCh38, 1-based): chr18:58,696,477, T>C. VCF-style: chr18-58696477-T-C. GRCh37 (hg19) VCF-style: chr18-56363709-T-C.
Other names: c.488T>C, p.Met163Thr (NM_173844.3); short protein forms M163T.
Identifiers: ClinVar variation 1449153 (VCV001449153.7), dbSNP rs750290078, ClinGen allele CA8977645.